The following is an entry in ClinVar:

NM_006505.5(PVR):c.348G>A (p.Glu116=)

Gene: PVR (PVR cell adhesion molecule; plus strand). Cytogenetic location: 19q13.31.
Variant type: single nucleotide variant.
Coding change: c.348G>A on transcript NM_006505.5 (MANE Select); coding-DNA position 348, G replaced by A.
Protein change: p.Glu116=; no amino-acid change (glutamic acid 116 retained).
Molecular consequence: synonymous variant.
Genome position (GRCh38, 1-based): chr19:44,647,491, G>A. VCF-style: chr19-44647491-G-A. GRCh37 (hg19) VCF-style: chr19-45150763-G-A.
Other names: c.348G>A, p.Glu116= (NM_001135768.3, NM_001135769.3, NM_001135770.4).
Identifiers: ClinVar variation 3038290 (VCV003038290.2), dbSNP rs10421291, ClinGen allele CA9502204.

ClinVar aggregate classification (germline): Benign (0 of 4 stars; one submission).

Conditions:
PVR-related disorder. Also called: PVR-related condition.

Allele frequency attached by ClinVar (database versions not stated): gnomAD exomes 0.00459; ExAC 0.01490; gnomAD 0.04480; 1000 Genomes Project 0.04992; TOPMed 0.05012; ESP Exome Variant Server 0.05105; 1000 Genomes Project 30x 0.05278.
gnomAD v4.1: 13,863 of 1,614,064 alleles (0.86%); highest among the groups gnomAD compares: African/African-American, 15%; 1,025 homozygotes.

Submission:

PreventionGenetics, part of Exact Sciences
Classification: Benign for PVR-related condition. Last evaluated: 2019-04-01. Review status: no assertion criteria provided. Collection method: clinical testing. Allele origin: germline.
Comment: This variant is classified as benign based on ACMG/AMP sequence variant interpretation guidelines (Richards et al. 2015 PMID: 25741868, with internal and published modifications).